The following is an entry in ClinVar:

NM_032638.5(GATA2):c.812dup (p.Pro274fs)

Gene: GATA2 (GATA binding protein 2; minus strand). Cytogenetic location: 3q21.3.
Variant type: Duplication.
Coding change: c.812dup on transcript NM_032638.5 (MANE Select); coding-DNA position 812, one base duplicated (T; older notation c.812dupT).
Protein change: p.Pro274fs; shifts the reading frame from proline 274.
Molecular consequence: frameshift variant.
Genome position (GRCh38, 1-based): chr3:128,485,786, A duplicated on the plus strand (T on the coding strand, the reverse complement: GATA2 is on the minus strand). VCF-style (leftmost placement, unchanged base first): chr3-128485785-C-CA. GRCh37 (hg19) VCF-style: chr3-128204628-C-CA.
Other names: c.812dup, p.Pro274fs (NM_001145661.2, NM_001145662.1); short protein forms P274fs.
Identifiers: ClinVar variation 1454555 (VCV001454555.6), dbSNP rs2107671906, ClinGen allele CA2573136524.
Genomic context (GRCh38, chr3:128,485,785, plus strand): 5'-ACCTGAACAGGAACGAGCCTTGCTGCGCTGCTTAGGGGTGAAGCTGGAGGCCGGTCCCCC[C>CA]AGGAAGCCTCCGGGGTGGAAGAGTCCGCTGCTGTAGTCGTGGGCAGCCGCCGGCACATAG-3'

ClinVar aggregate classification (germline): Pathogenic (1 of 4 stars; one submission).

Conditions:
Deafness-lymphedema-leukemia syndrome. Also called: Lymphedema, primary, with myelodysplasia; Emberger syndrome. Identifiers: Orphanet 3226, MedGen C3279664, MONDO:0013540, OMIM 614038.
Monocytopenia with susceptibility to infections. Also called: Dendritic cell, monocyte, B lymphocyte, and natural killer lymphocyte deficiency; MONOCYTOPENIA AND MYCOBACTERIAL INFECTION SYNDROME; MONOCYTOPENIA WITH SUSCEPTIBILITY TO MYCOBACTERIAL, FUNGAL, AND PAPILLOMAVIRUS INFECTIONS AND MYELODYSPLASIA; COMBINED IMMUNODEFICIENCY WITH SUSCEPTIBILITY TO MYCOBACTERIAL, VIRAL, AND FUNGAL INFECTIONS; GATA2 DEFICIENCY; IMMUNODEFICIENCY 21. Identifiers: Orphanet 228423, MedGen C3280030, MONDO:0013607, OMIM 614172.

Submission:

Labcorp Genetics (formerly Invitae), Labcorp
Classification: Pathogenic for Monocytopenia with susceptibility to infections; Deafness-lymphedema-leukemia syndrome. Last evaluated: 2021-08-03. Review status: criteria provided, single submitter. Criteria: Invitae Variant Classification Sherloc (09022015). Collection method: clinical testing. Allele origin: germline.
Comment: For these reasons, this variant has been classified as Pathogenic. This variant has not been reported in the literature in individuals affected with GATA2-related conditions. This variant is not present in population databases (ExAC no frequency). This sequence change creates a premature translational stop signal (p.Pro274Thrfs*8) in the GATA2 gene. It is expected to result in an absent or disrupted protein product. Loss-of-function variants in GATA2 are known to be pathogenic (PMID: 21670465, 23223431).

Literature cited by the submitters: PubMed 21670465; PubMed 23223431.